The following is an entry in ClinVar:

NM_020347.4(LZTFL1):c.625A>G (p.Ser209Gly)

Gene: LZTFL1 (leucine zipper transcription factor like 1; minus strand). Cytogenetic location: 3p21.31.
Variant type: single nucleotide variant.
Coding change: c.625A>G on transcript NM_020347.4 (MANE Select); coding-DNA position 625, A replaced by G.
Protein change: p.Ser209Gly; replaces serine 209 with glycine.
Molecular consequence: missense variant. On other transcripts: non-coding transcript variant (1).
Genome position (GRCh38, 1-based): chr3:45,828,591, T>C on the plus strand (A>G on the coding strand, the complement: LZTFL1 is on the minus strand). VCF-style: chr3-45828591-T-C. GRCh37 (hg19) VCF-style: chr3-45870083-T-C.
Other names: c.574A>G, p.Ser192Gly (NM_001276378.2); c.613A>G, p.Ser205Gly (NM_001276379.2); c.625A>G (NM_020347.3); short protein forms S192G, S205G, S209G.
Identifiers: ClinVar variation 1003935 (VCV001003935.5), dbSNP rs148560000, ClinGen allele CA352448422.

ClinVar aggregate classification (germline): Uncertain significance. Review status: criteria provided, multiple submitters, no conflicts (2 of 4 stars). 2 submissions from 2 submitters: Uncertain significance (2). Last evaluated 2026-04-30.

Conditions:
LZTFL1-related disorder. Also called: LZTFL1-related condition.

gnomAD v4.1: 1 of 1,613,916 alleles (0.000062%); no homozygotes.

Submissions (2):

PreventionGenetics, part of Exact Sciences
Classification: Uncertain significance for LZTFL1-related condition. Last evaluated: 2026-04-30. Review status: criteria provided, single submitter. Criteria: ACMG Guidelines, 2015. Collection method: clinical testing. Allele origin: germline.
Comment: The LZTFL1 c.625A>G variant is predicted to result in the amino acid substitution p.Ser209Gly. To our knowledge, this variant has not been reported in the literature or in a large population database, indicating this variant is rare. At this time, the clinical significance of this variant is uncertain due to the absence of conclusive functional and genetic evidence.

Labcorp Genetics (formerly Invitae), Labcorp
Classification: Uncertain significance. Last evaluated: 2020-07-15. Review status: criteria provided, single submitter. Criteria: Invitae Variant Classification Sherloc (09022015). Collection method: clinical testing. Allele origin: germline.
Comment: In summary, the available evidence is currently insufficient to determine the role of this variant in disease. Therefore, it has been classified as a Variant of Uncertain Significance. Algorithms developed to predict the effect of sequence changes on RNA splicing suggest that this variant may create or strengthen a splice site, but this prediction has not been confirmed by published transcriptional studies. Algorithms developed to predict the effect of missense changes on protein structure and function (SIFT, PolyPhen-2, Align-GVGD) all suggest that this variant is likely to be tolerated, but these predictions have not been confirmed by published functional studies and their clinical significance is uncertain. This variant has not been reported in the literature in individuals with LZTFL1-related conditions. This variant is not present in population databases (ExAC no frequency). This sequence change replaces serine with glycine at codon 209 of the LZTFL1 protein (p.Ser209Gly). The serine residue is moderately conserved and there is a small physicochemical difference between serine and glycine.